The following is an entry in ClinVar:

NM_004100.5(EYA4):c.1039T>C (p.Ser347Pro)

Gene: EYA4 (EYA transcriptional coactivator and phosphatase 4; plus strand). Cytogenetic location: 6q23.2.
Variant type: single nucleotide variant.
Coding change: c.1039T>C on transcript NM_004100.5 (MANE Select); coding-DNA position 1039, T replaced by C.
Protein change: p.Ser347Pro; replaces serine 347 with proline.
Molecular consequence: missense variant.
Genome position (GRCh38, 1-based): chr6:133,481,531, T>C. VCF-style: chr6-133481531-T-C. GRCh37 (hg19) VCF-style: chr6-133802669-T-C.
Other names: c.877T>C, p.Ser293Pro (NM_001301012.2); c.1057T>C, p.Ser353Pro (NM_001301013.2); c.970T>C, p.Ser324Pro (NM_001370458.1, NM_172103.4); c.895T>C, p.Ser299Pro (NM_001370459.1); c.1039T>C, p.Ser347Pro (NM_172105.4); short protein forms S293P, S299P, S324P, S347P, S353P.
Identifiers: ClinVar variation 4020619 (VCV004020619.1).

ClinVar aggregate classification (germline): Uncertain significance (1 of 4 stars; one submission).

Conditions:
Cardiovascular phenotype. Identifiers: MedGen CN230736.

Submission:

Ambry Genetics
Classification: Uncertain significance for Cardiovascular phenotype. Last evaluated: 2025-06-07. Review status: criteria provided, single submitter. Criteria: Ambry Variant Classification Scheme 2023. Collection method: clinical testing. Allele origin: germline.
Comment: The p.S347P variant (also known as c.1039T>C), located in coding exon 11 of the EYA4 gene, results from a T to C substitution at nucleotide position 1039. The serine at codon 347 is replaced by proline, an amino acid with similar properties. This amino acid position is conserved. In addition, the in silico prediction for this alteration is inconclusive. Based on the available evidence, the clinical significance of this variant remains unclear.